The following is an entry in ClinVar:

NM_000128.4(F11):c.456C>A (p.Ala152=)

Gene: F11 (coagulation factor XI; plus strand). Cytogenetic location: 4q35.2.
Variant type: single nucleotide variant.
Coding change: c.456C>A on transcript NM_000128.4 (MANE Select); coding-DNA position 456, C replaced by A.
Protein change: p.Ala152=; no amino-acid change (alanine 152 retained).
Molecular consequence: synonymous variant.
Genome position (GRCh38, 1-based): chr4:186,274,246, C>A. VCF-style: chr4-186274246-C-A. GRCh37 (hg19) VCF-style: chr4-187195400-C-A.
Other names: c.456C>A, p.Ala152= (NM_001354804.2).
Identifiers: ClinVar variation 2887401 (VCV002887401.5), dbSNP rs750022494, ClinGen allele CA3163661.
Genomic context (GRCh38, chr4:186,274,246, plus strand): 5'-TGCTCAAGAATGCCAAGAAAGATGCACGGATGACGTCCACTGCCACTTTTTCACGTACGC[C>A]ACAAGGCAGTTTCCCAGCCTGGAGCATCGGTGAGTGAGTCCCAGGACATTCGAGTGGTCG-3'
Protein context (NP_000119.1, residues 142-162): DDVHCHFFTY[Ala152=]TRQFPSLEHR

ClinVar aggregate classification (germline): Likely benign. Review status: criteria provided, single submitter (1 of 4 stars). 2 submissions from 2 submitters: Likely benign (1). 1 of the submissions does not count toward it. Last evaluated 2023-10-23.

Conditions:
F11-related disorder. Also called: F11-related condition.

Allele frequency attached by ClinVar (database versions not stated): ExAC 0.00001; gnomAD exomes 0.00001.
gnomAD v4.1: 11 of 1,614,192 alleles (0.00068%); highest among the groups gnomAD compares: Non-Finnish European, 0.00093%; no homozygotes.

Submissions (2):

Labcorp Genetics (formerly Invitae), Labcorp
Classification: Likely benign. Last evaluated: 2023-10-23. Review status: criteria provided, single submitter. Criteria: Invitae Variant Classification Sherloc (09022015). Collection method: clinical testing. Allele origin: germline.

PreventionGenetics, part of Exact Sciences
Classification: Likely benign for F11-related condition. Last evaluated: 2024-02-06. Review status: no assertion criteria provided. Collection method: clinical testing. Allele origin: germline. Not counted in ClinVar's aggregate classification.
Comment: This variant is classified as likely benign based on ACMG/AMP sequence variant interpretation guidelines (Richards et al. 2015 PMID: 25741868, with internal and published modifications).